The following is an entry in ClinVar:

NM_000540.3(RYR1):c.12463C>G (p.His4155Asp)

Gene: RYR1 (ryanodine receptor 1; plus strand). Cytogenetic location: 19q13.2.
Variant type: single nucleotide variant.
Coding change: c.12463C>G on transcript NM_000540.3 (MANE Select); coding-DNA position 12463, C replaced by G.
Protein change: p.His4155Asp; replaces histidine 4155 with aspartic acid.
Molecular consequence: missense variant.
Genome position (GRCh38, 1-based): chr19:38,561,293, C>G. VCF-style: chr19-38561293-C-G. GRCh37 (hg19) VCF-style: chr19-39051933-C-G.
Other names: c.12448C>G, p.His4150Asp (NM_001042723.2); short protein forms H4150D, H4155D.
Identifiers: ClinVar variation 2435554 (VCV002435554.6), dbSNP rs763831182, ClinGen allele CA058949.
Genomic context (GRCh38, chr19:38,561,293, plus strand): 5'-GCACGCGACATCGGCTTCAACGTGGCGGTGCTGCTGACCAACCTGTCGGAGCATGTGCCG[C>G]ATGACCCTCGCCTGCACAACTTCCTGGAGCTGGCCGAGAGCATCCTTGAGTACTTCCGCC-3'
Protein context (NP_000531.2, residues 4145-4165): LLTNLSEHVP[His4155Asp]DPRLHNFLEL

ClinVar aggregate classification (germline): Uncertain significance. Review status: criteria provided, multiple submitters, no conflicts (2 of 4 stars). 3 submissions from 3 submitters: Uncertain significance (3). Last evaluated 2024-06-11.

Conditions:
Malignant hyperthermia, susceptibility to, 1 (MHS1). Also called: Anesthesia related hyperthermia; Malignant hyperpyrexia; Fulminating hyperpyrexia; Pharmacogenic myopathy; Malignant hyperthermia suceptibility 1; RYR1-Related Malignant Hyperthermia Susceptibility. Identifiers: Orphanet 423, MedGen C2930980, MONDO:0007783, OMIM 145600.
RYR1-related disorder. Also called: RYR1-related disorders; RYR1-related condition. Identifiers: MedGen CN239331.

Allele frequency attached by ClinVar (database versions not stated): gnomAD exomes below 0.00001; TOPMed below 0.00001; ExAC 0.00001.
gnomAD v4.1: 3 of 1,614,060 alleles (0.00019%); highest among the groups gnomAD compares: Non-Finnish European, 0.00025%; no homozygotes.

Submissions (3):

All of Us Research Program, National Institutes of Health
Classification: Uncertain significance for Malignant hyperthermia, susceptibility to, 1. Last evaluated: 2024-06-11. Review status: criteria provided, single submitter. Criteria: ACMG Guidelines, 2015. Collection method: clinical testing. Allele origin: germline. Inheritance: Autosomal dominant inheritance. Observed: 2 variant alleles, 2 heterozygotes.
Comment: This missense variant replaces histidine with aspartic acid at codon 4155 of the RYR1 protein. Computational prediction is inconclusive regarding the impact of this variant on protein structure and function (internally defined REVEL score threshold 0.5 < inconclusive < 0.7, PMID: 27666373). To our knowledge, functional studies have not been reported for this variant. This variant has not been reported in individuals affected with RYR1-related disorders in the literature. This variant has been identified in 1/251132 chromosomes in the general population by the Genome Aggregation Database (gnomAD). The available evidence is insufficient to determine the role of this variant in disease conclusively. Therefore, this variant is classified as a Variant of Uncertain Significance.

This study involves interpretation of variants in research participants for the purpose of population health screening. Participant phenotype was not available at the time of variant classification. Additional details can be found in publication PMID: 35346344, PMCID: PMC8962531

PreventionGenetics, part of Exact Sciences
Classification: Uncertain significance for RYR1-related condition. Last evaluated: 2023-01-04. Review status: criteria provided, single submitter. Criteria: ACMG Guidelines, 2015. Collection method: clinical testing. Allele origin: germline.
Comment: The RYR1 c.12463C>G variant is predicted to result in the amino acid substitution p.His4155Asp. To our knowledge, this variant has not been reported in the literature. This variant is reported in 0.00088% of alleles in individuals of European (Non-Finnish) descent in gnomAD. At this time, the clinical significance of this variant is uncertain due to the absence of conclusive functional and genetic evidence.

Revvity Omics, Revvity
Classification: Uncertain significance. Last evaluated: 2019-08-09. Review status: criteria provided, single submitter. Criteria: ACMG Guidelines, 2015. Collection method: clinical testing. Allele origin: germline.